The following is an entry in ClinVar:

ClinVar aggregate classification (germline): Uncertain significance. Review status: criteria provided, multiple submitters, no conflicts (2 of 4 stars). 2 submissions from 2 submitters: Uncertain significance (2). Last evaluated 2025-07-01.

Submissions (2):

Ambry Genetics
Classification: Uncertain significance. Last evaluated: 2025-07-01. Review status: criteria provided, single submitter. Criteria: Ambry Variant Classification Scheme 2023. Collection method: clinical testing. Allele origin: germline.
Comment: The p.D12E variant (also known as c.36T>G), located in coding exon 2 of the RECQL gene, results from a T to G substitution at nucleotide position 36. The aspartic acid at codon 12 is replaced by glutamic acid, an amino acid with highly similar properties. This amino acid position is conserved. In addition, this alteration is predicted to be tolerated by in silico analysis. Based on the available evidence, the clinical significance of this variant remains unclear.

Labcorp Genetics (formerly Invitae), Labcorp
Classification: Uncertain significance. Last evaluated: 2021-11-17. Review status: criteria provided, single submitter. Criteria: Invitae Variant Classification Sherloc (09022015). Collection method: clinical testing. Allele origin: germline.
Comment: This variant has not been reported in the literature in individuals affected with RECQL-related conditions. Algorithms developed to predict the effect of missense changes on protein structure and function output the following: SIFT: "Tolerated"; PolyPhen-2: "Benign"; Align-GVGD: "Class C0". The glutamic acid amino acid residue is found in multiple mammalian species, which suggests that this missense change does not adversely affect protein function. This variant is not present in population databases (gnomAD no frequency). This sequence change replaces aspartic acid, which is acidic and polar, with glutamic acid, which is acidic and polar, at codon 12 of the RECQL protein (p.Asp12Glu). In summary, the available evidence is currently insufficient to determine the role of this variant in disease. Therefore, it has been classified as a Variant of Uncertain Significance.

NM_002907.4(RECQL):c.36T>G (p.Asp12Glu)

Gene: RECQL (RecQ like helicase; minus strand). Cytogenetic location: 12p12.1.
Variant type: single nucleotide variant.
Coding change: c.36T>G on transcript NM_002907.4 (MANE Select); coding-DNA position 36, T replaced by G.
Protein change: p.Asp12Glu; replaces aspartic acid 12 with glutamic acid.
Molecular consequence: missense variant.
Genome position (GRCh38, 1-based): chr12:21,491,697, A>C on the plus strand (T>G on the coding strand, the complement: RECQL is on the minus strand). VCF-style: chr12-21491697-A-C. GRCh37 (hg19) VCF-style: chr12-21644631-A-C.
Other names: c.36T>G, p.Asp12Glu (NM_032941.3); c.36T>G (NM_002907.3); short protein forms D12E.
Identifiers: ClinVar variation 1406407 (VCV001406407.7), dbSNP rs919217572, ClinGen allele CA233583978.
Genomic context (GRCh38, chr12:21,491,697, plus strand): 5'-TTGCCTTTCCGTAAGTTCTTGAATTTGAATTTCTACTGCATGTAGCTCACTGGTTATAGA[A>C]TCCAGTTCCTCAGTTAGAGCTATGGGAGGCAGCGCGGATACAATGATTAGACAGAGTAAA-3'
Protein context (NP_002898.2, residues 2-22): ASVSALTEEL[Asp12Glu]SITSELHAVE